The following is an entry in ClinVar:

NM_000157.4(GBA1):c.1255G>C (p.Asp419His)

Genes: GBA1 (glucosylceramidase beta 1; minus strand), LOC106627981 (GBA recombination region; plus strand). Cytogenetic location: 1q22.
Variant type: single nucleotide variant.
Coding change: c.1255G>C on transcript NM_000157.4 (MANE Select); coding-DNA position 1255, G replaced by C.
Protein change: p.Asp419His; replaces aspartic acid 419 with histidine.
Molecular consequence: missense variant.
Genome position (GRCh38, 1-based): chr1:155,235,814, C>G on the plus strand (G>C on the coding strand, the complement: GBA1 is on the minus strand). VCF-style: chr1-155235814-C-G. GRCh37 (hg19) VCF-style: chr1-155205605-C-G.
Other names: p.Asp419His; c.1255G>C, p.Asp419His (NM_001005741.3, NM_001005742.3); c.994G>C, p.Asp332His (NM_001171811.2); c.1108G>C, p.Asp370His (NM_001171812.2); short protein forms D332H, D370H, D419H.
Identifiers: ClinVar variation 4817706 (VCV004817706.2).

ClinVar aggregate classification (germline): Likely pathogenic. Review status: criteria provided, multiple submitters, no conflicts (2 of 4 stars). 2 submissions from 2 submitters: Likely pathogenic (2). Last evaluated 2026-01-19.

Conditions:
Gaucher disease type II (GD2). Also called: GAUCHER DISEASE, ACUTE NEURONOPATHIC TYPE; GD II; Acute neuronopathic Gaucher's disease; Type 2 Gaucher disease (Acute; Infantile). Identifiers: Orphanet 77260, MedGen C0268250, MONDO:0009266, OMIM 230900.
Gaucher disease. Also called: Acute cerebral Gaucher disease; Cerebroside lipidosis syndrome; Gaucher splenomegaly; Sphingolipidosis 1; Glucocerebrosidosis; Glucosylceramidase deficiency. Identifiers: Orphanet 355, MedGen C0017205, MONDO:0018150.

Submissions (2):

Natera, Inc.
Classification: Likely pathogenic for Gaucher disease. Last evaluated: 2026-01-19. Review status: criteria provided, single submitter. Criteria: Natera Variant Classification Schema (03/2026). Collection method: clinical testing. Allele origin: germline.
Comment: The c.1255G>C variant in GBA1 is a missense variant predicted to cause substitution of aspartic acid to histidine at amino acid 419. This variant is rare in the general population with a frequency below the threshold expected for the associated phenotype(s). This variant has been observed in one or more individuals affected with the associated recessive disease, as either homozygous or compound heterozygous with a second variant (PMID: 16185907, 30764785). A different variant at the same position has been determined to be Pathogenic or Likely Pathogenic. Computational prediction algorithms indicate this variant is likely to affect gene or protein function. Given the available evidence, this variant is classified as Likely Pathogenic.

Foundation for Research in Genetics and Endocrinology, FRIGE's Institute of Human Genetics
Classification: Likely pathogenic for Gaucher disease type II. Last evaluated: 2015-10-28. Review status: criteria provided, single submitter. Criteria: ACMG Guidelines, 2015. Collection method: clinical testing. Allele origin: germline. Inheritance: Autosomal recessive inheritance. Affected: yes. Observed: 1 variant allele, 1 compound heterozygote.
Comment: A heterozygous missense variant in exon 9 of the GBA1 gene that results in the amino acid substitution of Histidine for Aspartic acid at codon 419 was detected. The observed variant c.1255G>C has not been reported in the 1000 genomes and gnomAD databases. The in-silico prediction of the variant is deleterious by MutationTaster2, FATHMM, DANN, SIFT. In summary, the variant meets our criteria to be classified as likely pathogenic.

Literature cited by the submitters: PubMed 16185907 (cited by Natera, Inc.); PubMed 30764785 (cited by Natera, Inc.).